The following is an entry in ClinVar:

ClinVar aggregate classification (germline): Uncertain significance (1 of 4 stars; one submission).

Conditions:
Hereditary cancer-predisposing syndrome. Also called: Tumor predisposition; Hereditary Cancer Syndrome; Hereditary neoplastic syndrome; Neoplastic Syndromes, Hereditary. Identifiers: Orphanet 140162, MedGen C0027672, MeSH D009386, MONDO:0015356.

Submission:

Ambry Genetics
Classification: Uncertain significance for Hereditary cancer-predisposing syndrome. Last evaluated: 2024-04-12. Review status: criteria provided, single submitter. Criteria: Ambry Variant Classification Scheme 2023. Collection method: clinical testing. Allele origin: germline.
Comment: The p.S450C variant (also known as c.1348A>T), located in coding exon 10 of the POLD1 gene, results from an A to T substitution at nucleotide position 1348. The serine at codon 450 is replaced by cysteine, an amino acid with dissimilar properties. This amino acid position is conserved. In addition, this alteration is predicted to be tolerated by in silico analysis. Based on the available evidence, the clinical significance of this variant remains unclear.

NM_002691.4(POLD1):c.1348A>T (p.Ser450Cys)

Gene: POLD1 (DNA polymerase delta 1, catalytic subunit; plus strand). Cytogenetic location: 19q13.33.
Variant type: single nucleotide variant.
Coding change: c.1348A>T on transcript NM_002691.4 (MANE Select); coding-DNA position 1348, A replaced by T.
Protein change: p.Ser450Cys; replaces serine 450 with cysteine.
Molecular consequence: missense variant. On other transcripts: non-coding transcript variant (1).
Genome position (GRCh38, 1-based): chr19:50,406,287, A>T. VCF-style: chr19-50406287-A-T. GRCh37 (hg19) VCF-style: chr19-50909544-A-T.
Other names: c.1348A>T, p.Ser450Cys (NM_001256849.1, NM_001308632.1); short protein forms S450C.
Identifiers: ClinVar variation 3308284 (VCV003308284.1).